The following is an entry in ClinVar:

ClinVar aggregate classification (germline): Benign/Likely benign. Review status: criteria provided, multiple submitters, no conflicts (2 of 4 stars). 4 submissions from 4 submitters: Benign (1); Likely benign (2). 1 of the submissions does not count toward it. Last evaluated 2026-01-15.

Conditions:
Prostate cancer, hereditary, 1 (HPC1). Identifiers: Orphanet 1331, MedGen C4722327, MONDO:0011098, OMIM 601518.
Prostate cancer, hereditary, 9 (HPC9). Identifiers: Orphanet 1331, MedGen C1970250, MONDO:0012597, OMIM 610997.
Hereditary cancer-predisposing syndrome. Also called: Tumor predisposition; Neoplastic Syndromes, Hereditary; Hereditary Cancer Syndrome; Hereditary neoplastic syndrome. Identifiers: Orphanet 140162, MedGen C0027672, MeSH D009386, MONDO:0015356.

Submissions (4):

Ambry Genetics
Classification: Likely benign for Hereditary cancer-predisposing syndrome. Last evaluated: 2026-01-15. Review status: criteria provided, single submitter. Criteria: Ambry Variant Classification Scheme 2023. Collection method: clinical testing. Allele origin: germline.

Myriad Genetics, Inc.
Classification: Benign for Prostate cancer, hereditary, 9. Last evaluated: 2024-10-30. Review status: criteria provided, single submitter. Criteria: Myriad Autosomal Dominant, Autosomal Recessive and X-Linked Classification Criteria (2023). Collection method: clinical testing. Allele origin: unknown.
Comment: This variant is considered benign. This variant is a silent/synonymous amino acid change and it is not expected to impact splicing.

Labcorp Genetics (formerly Invitae), Labcorp
Classification: Likely benign. Last evaluated: 2023-07-08. Review status: criteria provided, single submitter. Criteria: Invitae Variant Classification Sherloc (09022015). Collection method: clinical testing. Allele origin: germline.

Laboratory of Virology, Microbiology,  Quality and Medical Biotechnologies, Faculty of Sciences and Techniques - Mohammedia, Hassan II University of Casablanca
Classification: Uncertain significance for Prostate cancer, hereditary, 1. Review status: no assertion criteria provided. Collection method: clinical testing. Allele origin: somatic. Affected: yes. Not counted in ClinVar's aggregate classification.

NM_006361.6(HOXB13):c.519T>C (p.Ala173=)

Gene: HOXB13 (homeobox B13; minus strand). Cytogenetic location: 17q21.32.
Variant type: single nucleotide variant.
Coding change: c.519T>C on transcript NM_006361.6 (MANE Select); coding-DNA position 519, T replaced by C.
Protein change: p.Ala173=; no amino-acid change (alanine 173 retained).
Molecular consequence: synonymous variant.
Genome position (GRCh38, 1-based): chr17:48,728,075, A>G on the plus strand (T>C on the coding strand, the complement: HOXB13 is on the minus strand). VCF-style: chr17-48728075-A-G. GRCh37 (hg19) VCF-style: chr17-46805437-A-G.
Identifiers: ClinVar variation 690824 (VCV000690824.7), dbSNP rs1597933919, ClinGen allele CA500660849.